The following is an entry in ClinVar:

NM_000548.5(TSC2):c.697G>A (p.Ala233Thr)

Gene: TSC2 (TSC complex subunit 2; plus strand). Cytogenetic location: 16p13.3.
Variant type: single nucleotide variant.
Coding change: c.697G>A on transcript NM_000548.5 (MANE Select); coding-DNA position 697, G replaced by A.
Protein change: p.Ala233Thr; replaces alanine 233 with threonine.
Molecular consequence: missense variant. On other transcripts: 5 prime UTR variant (10), non-coding transcript variant (5).
Genome position (GRCh38, 1-based): chr16:2,056,692, G>A. VCF-style: chr16-2056692-G-A. GRCh37 (hg19) VCF-style: chr16-2106693-G-A.
Other names: c.697G>A, p.Ala233Thr (NM_001077183.3, NM_001114382.3, NM_001363528.2 and 6 more transcripts); c.586G>A, p.Ala196Thr (NM_001318827.2, NM_001406670.1, NM_001406678.1); c.550G>A, p.Ala184Thr (NM_001318829.2, NM_001406675.1, NM_001406676.1 and 1 more transcripts); c.97G>A, p.Ala33Thr (NM_001318831.2, NM_001406680.1, NM_001406682.1 and 6 more transcripts); c.730G>A, p.Ala244Thr (NM_001318832.2); c.787G>A, p.Ala263Thr (NM_001406667.1, NM_001406668.1); c.685G>A, p.Ala229Thr (NM_001406671.1, NM_001406673.1); c.640G>A, p.Ala214Thr (NM_001406677.1); and 4 more; short protein forms A233T, A196T, A229T, A244T, A184T, A214T, A33T, A263T.
Identifiers: ClinVar variation 4780344 (VCV004780344.2).

ClinVar aggregate classification (germline): Uncertain significance. Review status: criteria provided, multiple submitters, no conflicts (2 of 4 stars). 2 submissions from 2 submitters: Uncertain significance (2). Last evaluated 2026-07-02.

Conditions:
Tuberous sclerosis 2 (TSC2). Identifiers: Orphanet 805, MedGen C1860707, MONDO:0013199, OMIM 613254.
Hereditary cancer-predisposing syndrome. Also called: Hereditary Cancer Syndrome; Hereditary neoplastic syndrome; Neoplastic Syndromes, Hereditary; Tumor predisposition. Identifiers: Orphanet 140162, MedGen C0027672, MeSH D009386, MONDO:0015356.

Submissions (2):

Ambry Genetics
Classification: Uncertain significance for Hereditary cancer-predisposing syndrome. Last evaluated: 2026-07-02. Review status: criteria provided, single submitter. Criteria: Ambry Variant Classification Scheme 2023. Collection method: clinical testing. Allele origin: germline.
Comment: The p.A233T variant (also known as c.697G>A), located in coding exon 7 of the TSC2 gene, results from a G to A substitution at nucleotide position 697. The alanine at codon 233 is replaced by threonine, an amino acid with similar properties. This amino acid position is conserved. In addition, the in silico prediction for this alteration is inconclusive. Based on the available evidence, the clinical significance of this variant remains unclear.

Labcorp Genetics (formerly Invitae), Labcorp
Classification: Uncertain significance for Tuberous sclerosis 2. Last evaluated: 2025-08-01. Review status: criteria provided, single submitter. Criteria: Invitae Variant Classification Sherloc (09022015). Collection method: clinical testing. Allele origin: germline.
Comment: This sequence change replaces alanine, which is neutral and non-polar, with threonine, which is neutral and polar, at codon 233 of the TSC2 protein (p.Ala233Thr). This variant is not present in population databases (gnomAD no frequency). This variant has not been reported in the literature in individuals affected with TSC2-related conditions. Invitae Evidence Modeling of protein sequence and biophysical properties (such as structural, functional, and spatial information, amino acid conservation, physicochemical variation, residue mobility, and thermodynamic stability) indicates that this missense variant is not expected to disrupt TSC2 protein function with a negative predictive value of 95%. In summary, the available evidence is currently insufficient to determine the role of this variant in disease. Therefore, it has been classified as a Variant of Uncertain Significance.